The following is an entry in ClinVar:

NM_000071.3(CBS):c.349A>T (p.Ser117Cys)

Gene: CBS (cystathionine beta-synthase; minus strand). Cytogenetic location: 21q22.3.
Variant type: single nucleotide variant.
Coding change: c.349A>T on transcript NM_000071.3 (MANE Select); coding-DNA position 349, A replaced by T.
Protein change: p.Ser117Cys; replaces serine 117 with cysteine.
Molecular consequence: missense variant.
Genome position (GRCh38, 1-based): chr21:43,066,345, T>A on the plus strand (A>T on the coding strand, the complement: CBS is on the minus strand). VCF-style: chr21-43066345-T-A. GRCh37 (hg19) VCF-style: chr21-44486455-T-A.
Other names: c.349A>T, p.Ser117Cys (NM_001178008.3, NM_001178009.3, NM_001320298.2); c.34A>T, p.Ser12Cys (NM_001321072.1); short protein forms S12C, S117C.
Identifiers: ClinVar variation 895757 (VCV000895757.6), dbSNP rs1982753226, ClinGen allele CA410601894.

ClinVar aggregate classification (germline): Uncertain significance. Review status: criteria provided, multiple submitters, no conflicts (2 of 4 stars). 3 submissions from 3 submitters: Uncertain significance (3). Last evaluated 2026-04-12.

Conditions:
Classic homocystinuria. Also called: Homocystinuria due to Cystathionine Beta-Synthase Deficiency; Homocystinuria due to CBS deficiency; Cystathionine beta-synthase deficiency; CBS deficiency; HOMOCYSTINURIA WITH OR WITHOUT RESPONSE TO PYRIDOXINE. Identifiers: Orphanet 394, MedGen C0751202, MONDO:0009352, OMIM 236200.
HYPERHOMOCYSTEINEMIA, THROMBOTIC, CBS-RELATED. Identifiers: MedGen C3150344, OMIM 236200.
Familial thoracic aortic aneurysm and aortic dissection (TAAD). Also called: Thoracic aortic aneurysms and dissections. Identifiers: Orphanet 91387, MedGen C4707243, MONDO:0019625.

Submissions (3):

Ambry Genetics
Classification: Uncertain significance for Familial thoracic aortic aneurysm and aortic dissection. Last evaluated: 2026-04-12. Review status: criteria provided, single submitter. Criteria: Ambry Variant Classification Scheme 2023. Collection method: clinical testing. Allele origin: germline.
Comment: The p.S117C variant (also known as c.349A>T), located in coding exon 3 of the CBS gene, results from an A to T substitution at nucleotide position 349. The serine at codon 117 is replaced by cysteine, an amino acid with dissimilar properties. This amino acid position is conserved. In addition, this alteration is predicted to be deleterious by in silico analysis. Based on the available evidence, the clinical significance of this variant remains unclear.

Labcorp Genetics (formerly Invitae), Labcorp
Classification: Uncertain significance for HYPERHOMOCYSTEINEMIA, THROMBOTIC, CBS-RELATED. Last evaluated: 2025-10-11. Review status: criteria provided, single submitter. Criteria: Invitae Variant Classification Sherloc (09022015). Collection method: clinical testing. Allele origin: germline.
Comment: This sequence change replaces serine, which is neutral and polar, with cysteine, which is neutral and slightly polar, at codon 117 of the CBS protein (p.Ser117Cys). This variant is not present in population databases (gnomAD no frequency). This variant has not been reported in the literature in individuals affected with CBS-related conditions. ClinVar contains an entry for this variant (Variation ID: 895757). Invitae Evidence Modeling of protein sequence and biophysical properties (such as structural, functional, and spatial information, amino acid conservation, physicochemical variation, residue mobility, and thermodynamic stability) indicates that this missense variant is expected to disrupt CBS protein function with a positive predictive value of 95%. In summary, the available evidence is currently insufficient to determine the role of this variant in disease. Therefore, it has been classified as a Variant of Uncertain Significance.

Illumina Laboratory Services, Illumina
Classification: Uncertain significance for Classic homocystinuria. Last evaluated: 2017-04-27. Review status: criteria provided, single submitter. Criteria: ICSL Variant Classification Criteria 13 December 2019. Collection method: clinical testing. Allele origin: germline.